The following is an entry in ClinVar:

ClinVar aggregate classification (germline): Uncertain significance (1 of 4 stars; one submission).

Conditions:
Cardiac arrhythmia. Also called: Arrhythmia; Cardiac rhythm disease. Identifiers: MedGen C0003811, MONDO:0007263, HP:0011675.

Submission:

Color Diagnostics, LLC DBA Color Health
Classification: Uncertain significance for Cardiac arrhythmia. Last evaluated: 2025-06-17. Review status: criteria provided, single submitter. Criteria: ACMG Guidelines, 2015. Collection method: clinical testing. Allele origin: germline.
Comment: This missense variant replaces alanine with threonine at codon 1061 of the KCNH2 protein. Computational prediction is inconclusive regarding the impact of this variant on protein structure and function. To our knowledge, functional studies have not been reported for this variant. This variant has not been reported in individuals affected with KCNH2-related disorders in the literature. This variant has not been identified in the general population by the Genome Aggregation Database (gnomAD). The available evidence is insufficient to determine the role of this variant in disease conclusively. Therefore, this variant is classified as a Variant of Uncertain Significance.

NM_000238.4(KCNH2):c.3181G>A (p.Ala1061Thr)

Gene: KCNH2 (potassium voltage-gated channel subfamily H member 2; minus strand). Cytogenetic location: 7q36.1.
Variant type: single nucleotide variant.
Coding change: c.3181G>A on transcript NM_000238.4 (MANE Select); coding-DNA position 3181, G replaced by A.
Protein change: p.Ala1061Thr; replaces alanine 1061 with threonine.
Molecular consequence: missense variant. On other transcripts: non-coding transcript variant (2).
Genome position (GRCh38, 1-based): chr7:150,947,026, C>T on the plus strand (G>A on the coding strand, the complement: KCNH2 is on the minus strand). VCF-style: chr7-150947026-C-T. GRCh37 (hg19) VCF-style: chr7-150644114-C-T.
Other names: c.2893G>A, p.Ala965Thr (NM_001406753.1); c.2161G>A, p.Ala721Thr (NM_172057.3); short protein forms A1061T, A721T, A965T.
Identifiers: ClinVar variation 4757079 (VCV004757079.1).